The following is an entry in ClinVar:

ClinVar aggregate classification (germline): Uncertain significance (1 of 4 stars; one submission).

Allele frequency attached by ClinVar (database versions not stated): gnomAD 0.00001 and 0.00003; gnomAD exomes 0.00001 and 0.00006; ExAC 0.00002; TOPMed 0.00003; ESP Exome Variant Server 0.00008.
gnomAD v4.1: 87 of 1,613,246 alleles (0.0054%); highest among the groups gnomAD compares: Middle Eastern, 0.033%; no homozygotes.

Submission:

Labcorp Genetics (formerly Invitae), Labcorp
Classification: Uncertain significance. Last evaluated: 2025-06-03. Review status: criteria provided, single submitter. Criteria: Invitae Variant Classification Sherloc (09022015). Collection method: clinical testing. Allele origin: germline.
Comment: This sequence change replaces arginine, which is basic and polar, with glutamine, which is neutral and polar, at codon 526 of the IL6ST protein (p.Arg526Gln). This variant is present in population databases (rs144353104, gnomAD 0.002%). This variant has not been reported in the literature in individuals affected with IL6ST-related conditions. ClinVar contains an entry for this variant (Variation ID: 1353426). An algorithm developed to predict the effect of missense changes on protein structure and function (PolyPhen-2) suggests that this variant is likely to be tolerated. In summary, the available evidence is currently insufficient to determine the role of this variant in disease. Therefore, it has been classified as a Variant of Uncertain Significance.

NM_002184.4(IL6ST):c.1577G>A (p.Arg526Gln)

Gene: IL6ST (interleukin 6 cytokine family signal transducer; minus strand). Cytogenetic location: 5q11.2.
Variant type: single nucleotide variant.
Coding change: c.1577G>A on transcript NM_002184.4 (MANE Select); coding-DNA position 1577, G replaced by A.
Protein change: p.Arg526Gln; replaces arginine 526 with glutamine.
Molecular consequence: missense variant. On other transcripts: 3 prime UTR variant (1), non-coding transcript variant (2).
Genome position (GRCh38, 1-based): chr5:55,952,051, C>T on the plus strand (G>A on the coding strand, the complement: IL6ST is on the minus strand). VCF-style: chr5-55952051-C-T. GRCh37 (hg19) VCF-style: chr5-55247879-C-T.
Other names: c.1394G>A, p.Arg465Gln (NM_001190981.2); c.1475G>A, p.Arg492Gln (NM_001364275.2); c.1367G>A, p.Arg456Gln (NM_001364276.2); c.710G>A, p.Arg237Gln (NM_001364277.2); c.674G>A, p.Arg225Gln (NM_001364278.2); c.581G>A, p.Arg194Gln (NM_001364279.2); c.*504G>A (NM_175767.3); short protein forms R456Q, R194Q, R237Q, R465Q, R225Q, R526Q, R492Q.
Identifiers: ClinVar variation 1353426 (VCV001353426.8), dbSNP rs144353104, ClinGen allele CA3271370.